The following is an entry in ClinVar:

ClinVar aggregate classification (germline): Uncertain significance (1 of 4 stars; one submission).

Conditions:
Hereditary cancer-predisposing syndrome. Also called: Tumor predisposition; Neoplastic Syndromes, Hereditary; Hereditary Cancer Syndrome; Hereditary neoplastic syndrome. Identifiers: Orphanet 140162, MedGen C0027672, MeSH D009386, MONDO:0015356.

Submission:

Ambry Genetics
Classification: Uncertain significance for Hereditary cancer-predisposing syndrome. Last evaluated: 2024-11-26. Review status: criteria provided, single submitter. Criteria: Ambry Variant Classification Scheme 2023. Collection method: clinical testing. Allele origin: germline.
Comment: The p.N459K variant (also known as c.1377C>G), located in coding exon 10 of the BMPR1A gene, results from a C to G substitution at nucleotide position 1377. The asparagine at codon 459 is replaced by lysine, an amino acid with similar properties. This amino acid position is conserved. In addition, the in silico prediction for this alteration is inconclusive. Based on the available evidence, the clinical significance of this variant remains unclear.

NM_004329.3(BMPR1A):c.1377C>G (p.Asn459Lys)

Gene: BMPR1A (bone morphogenetic protein receptor type 1A; plus strand). Cytogenetic location: 10q23.2.
Variant type: single nucleotide variant.
Coding change: c.1377C>G on transcript NM_004329.3 (MANE Select); coding-DNA position 1377, C replaced by G.
Protein change: p.Asn459Lys; replaces asparagine 459 with lysine.
Molecular consequence: missense variant. On other transcripts: non-coding transcript variant (3).
Genome position (GRCh38, 1-based): chr10:86,923,410, C>G. VCF-style: chr10-86923410-C-G. GRCh37 (hg19) VCF-style: chr10-88683167-C-G.
Other names: c.1452C>G, p.Asn484Lys (NM_001406559.1); c.1425C>G, p.Asn475Lys (NM_001406560.1); c.1377C>G, p.Asn459Lys (NM_001406561.1, NM_001406562.1, NM_001406563.1 and 19 more transcripts); c.1371C>G, p.Asn457Lys (NM_001406583.1); c.1293C>G, p.Asn431Lys (NM_001406584.1, NM_001406585.1, NM_001406586.1 and 2 more transcripts); c.1035C>G, p.Asn345Lys (NM_001406589.1); short protein forms N345K, N431K, N459K, N457K, N475K, N484K.
Identifiers: ClinVar variation 3481247 (VCV003481247.1).